The following is an entry in ClinVar:

NM_006440.5(TXNRD2):c.173-19del

Gene: TXNRD2 (thioredoxin reductase 2; minus strand). Cytogenetic location: 22q11.21.
Variant type: Deletion.
Coding change: c.173-19del on transcript NM_006440.5 (MANE Select); 19 bases into the intron before coding-DNA position 173, one base deleted (G; older notation c.173-19delG).
Molecular consequence: intron variant.
Genome position (GRCh38, 1-based): chr22:19,919,618, C deleted on the plus strand (G on the coding strand, the reverse complement: TXNRD2 is on the minus strand). VCF-style (leftmost placement, unchanged base first): chr22-19919617-GC-G. GRCh37 (hg19) VCF-style: chr22-19907140-GC-G.
Other names: c.170-19del (NM_001352300.2); c.-116-19del (NM_001352302.2); c.83-19del (NM_001352301.2); c.173-19del (NM_001282512.3); c.77-19del (NM_001352303.2).
Identifiers: ClinVar variation 422900 (VCV000422900.9), dbSNP rs770032943, ClinGen allele CA10104316.
Genomic context (GRCh38, chr22:19,919,617, plus strand): 5'-TCCACGTAGTCCACCACGGCCACCTTCCTTCCCAGCTGGGCGGCTGGAAGGATAAGGAGA[GC>G]AGCAGGTGAGCATGGGGAGCTGGCTCAGGACTCAAGAACAGGCACTCCTCAGGGCTTGTG-3'

ClinVar aggregate classification (germline): Likely benign. Review status: criteria provided, multiple submitters, no conflicts (2 of 4 stars). 2 submissions from 2 submitters: Likely benign (2). Last evaluated 2026-01-21.

Conditions:
Primary dilated cardiomyopathy (DCM). Also called: Dilated Cardiomyopathy. Identifiers: Orphanet 217604, MedGen C0007193, MeSH D002311, MONDO:0005021, HP:0001644. Inheritance: Various modes of inheritance.

Allele frequency attached by ClinVar (database versions not stated): gnomAD exomes 0.00049 and 0.00022; 1000 Genomes Project 30x 0.00016; gnomAD 0.00020 and 0.00021; ExAC 0.00022; ESP Exome Variant Server 0.00025; TOPMed 0.00031.

Submissions (2):

Labcorp Genetics (formerly Invitae), Labcorp
Classification: Likely benign for Primary dilated cardiomyopathy. Last evaluated: 2026-01-21. Review status: criteria provided, single submitter. Criteria: Invitae Variant Classification Sherloc (09022015). Collection method: clinical testing. Allele origin: germline.

GeneDx
Classification: Likely benign. Last evaluated: 2017-09-01. Review status: criteria provided, single submitter. Criteria: GeneDx Variant Classification (06012015). Collection method: clinical testing. Allele origin: germline. Affected: yes.
Comment: This variant is considered likely benign or benign based on one or more of the following criteria: it is a conservative change, it occurs at a poorly conserved position in the protein, it is predicted to be benign by multiple in silico algorithms, and/or has population frequency not consistent with disease.